The following is an entry in ClinVar:

NM_020461.4(TUBGCP6):c.4750C>T (p.Leu1584Phe)

Gene: TUBGCP6 (tubulin gamma complex component 6; minus strand). Cytogenetic location: 22q13.33.
Variant type: single nucleotide variant.
Coding change: c.4750C>T on transcript NM_020461.4 (MANE Select); coding-DNA position 4750, C replaced by T.
Protein change: p.Leu1584Phe; replaces leucine 1584 with phenylalanine.
Molecular consequence: missense variant.
Genome position (GRCh38, 1-based): chr22:50,218,774, G>A on the plus strand (C>T on the coding strand, the complement: TUBGCP6 is on the minus strand). VCF-style: chr22-50218774-G-A. GRCh37 (hg19) VCF-style: chr22-50657203-G-A.
Other names: short protein forms L1584F.
Identifiers: ClinVar variation 1440564 (VCV001440564.5), dbSNP rs895319593, ClinGen allele CA412168418.
Genomic context (GRCh38, chr22:50,218,774, plus strand): 5'-GCTCCAGGCAGCTCAGCACATCCGGGGCGTTGGGGGCAAACACCTCGGGCAGGTACTTGA[G>A]AGCGAGGGAGAGGTTGGAGGCGTGCGGGGTGTCCCCATGCAGGCTGCACTGCAGGGCCTT-3'
Protein context (NP_065194.3, residues 1574-1594): TPHASNLSLA[Leu1584Phe]KYLPEVFAPN

ClinVar aggregate classification (germline): Uncertain significance (1 of 4 stars; one submission).

Allele frequency attached by ClinVar (database versions not stated): gnomAD exomes 0.00002.

Submission:

Labcorp Genetics (formerly Invitae), Labcorp
Classification: Uncertain significance. Last evaluated: 2022-07-19. Review status: criteria provided, single submitter. Criteria: Invitae Variant Classification Sherloc (09022015). Collection method: clinical testing. Allele origin: germline.
Comment: This sequence change replaces leucine, which is neutral and non-polar, with phenylalanine, which is neutral and non-polar, at codon 1584 of the TUBGCP6 protein (p.Leu1584Phe). This variant is present in population databases (no rsID available, gnomAD 0.01%). This variant has not been reported in the literature in individuals affected with TUBGCP6-related conditions. ClinVar contains an entry for this variant (Variation ID: 1440564). Algorithms developed to predict the effect of missense changes on protein structure and function are either unavailable or do not agree on the potential impact of this missense change (SIFT: "Tolerated"; PolyPhen-2: "Probably Damaging"; Align-GVGD: "Class C0"). In summary, the available evidence is currently insufficient to determine the role of this variant in disease. Therefore, it has been classified as a Variant of Uncertain Significance.